The following is an entry in ClinVar:

NM_022436.3(ABCG5):c.1493G>A (p.Arg498Gln)

Genes: ABCG5 (ATP binding cassette subfamily G member 5; minus strand), DYNC2LI1 (dynein cytoplasmic 2 light intermediate chain 1; plus strand). Cytogenetic location: 2p21.
Variant type: single nucleotide variant.
Coding change: c.1493G>A on transcript NM_022436.3 (MANE Select); coding-DNA position 1493, G replaced by A.
Protein change: p.Arg498Gln; replaces arginine 498 with glutamine.
Molecular consequence: missense variant. On other transcripts: intron variant (2).
Genome position (GRCh38, 1-based): chr2:43,820,071, C>T on the plus strand (G>A on the coding strand, the complement: ABCG5 is on the minus strand). VCF-style: chr2-43820071-C-T. GRCh37 (hg19) VCF-style: chr2-44047210-C-T.
Other names: c.*16-7315C>T (NM_001348913.2, NM_001348912.2); short protein forms R498Q.
Identifiers: ClinVar variation 4822459 (VCV004822459.5).

ClinVar aggregate classification (germline): Uncertain significance. Review status: criteria provided, multiple submitters, no conflicts (2 of 4 stars). 2 submissions from 2 submitters: Uncertain significance (2). Last evaluated 2026-02-01.

gnomAD v4.1: 14 of 1,614,088 alleles (0.00087%); highest among the groups gnomAD compares: Middle Eastern, 0.016%; no homozygotes.

Submissions (2):

CeGaT Center for Human Genetics Tuebingen
Classification: Uncertain significance. Last evaluated: 2026-02-01. Review status: criteria provided, single submitter. Criteria: CeGaT Center For Human Genetics Tuebingen Variant Classification Criteria Version 2. Collection method: clinical testing. Allele origin: germline. Affected: yes. Observed: 1 variant allele.
Comment: ABCG5: PM2

Blueprint Genetics
Classification: Uncertain significance. Last evaluated: 2021-10-26. Review status: criteria provided, single submitter. Criteria: ACMG Guidelines, 2015. Collection method: clinical testing. Allele origin: germline.